The following is an entry in ClinVar:

NM_000308.4(CTSA):c.219C>G (p.Pro73=)

Gene: CTSA (cathepsin A; plus strand). Cytogenetic location: 20q13.12.
Variant type: single nucleotide variant.
Coding change: c.219C>G on transcript NM_000308.4 (MANE Select); coding-DNA position 219, C replaced by G.
Protein change: p.Pro73=; no amino-acid change (proline 73 retained).
Molecular consequence: synonymous variant. On other transcripts: non-coding transcript variant (1).
Genome position (GRCh38, 1-based): chr20:45,891,940, C>G. VCF-style: chr20-45891940-C-G. GRCh37 (hg19) VCF-style: chr20-44520579-C-G.
Other names: c.219C>G, p.Pro73= (NM_001127695.3, NM_001167594.3).
Identifiers: ClinVar variation 338526 (VCV000338526.20), dbSNP rs742035, ClinGen allele CA9882968.

ClinVar aggregate classification (germline): Benign. Review status: criteria provided, multiple submitters, no conflicts (2 of 4 stars). 5 submissions from 5 submitters: Benign (4). 1 of the submissions does not count toward it. Last evaluated 2026-02-04.

Conditions:
Combined deficiency of sialidase AND beta galactosidase (GSL). Also called: PPCA DEFICIENCY; PROTECTIVE PROTEIN/CATHEPSIN A DEFICIENCY; CATHEPSIN A DEFICIENCY; Galactosialidosis; GOLDBERG SYNDROME; NEURAMINIDASE DEFICIENCY WITH BETA-GALACTOSIDASE DEFICIENCY. Identifiers: Orphanet 351, MedGen C0268233, MONDO:0009737, OMIM 256540.

Allele frequency attached by ClinVar (database versions not stated): gnomAD exomes 0.04914 and 0.05580; ESP Exome Variant Server 0.05305; TOPMed 0.05536; ExAC 0.05657; 1000 Genomes Project 30x 0.08510; 1000 Genomes Project 0.08666.
gnomAD v4.1: 80,671 of 1,613,968 alleles (5%); highest among the groups gnomAD compares: South Asian, 12%; 2,578 homozygotes.

Submissions (5):

Labcorp Genetics (formerly Invitae), Labcorp
Classification: Benign for Combined deficiency of sialidase AND beta galactosidase. Last evaluated: 2026-02-04. Review status: criteria provided, single submitter. Criteria: Invitae Variant Classification Sherloc (09022015). Collection method: clinical testing. Allele origin: germline.

GeneDx
Classification: Benign. Last evaluated: 2018-12-31. Review status: criteria provided, single submitter. Criteria: GeneDx Variant Classification Process June 2021. Collection method: clinical testing. Allele origin: germline. Affected: yes.

Illumina Laboratory Services, Illumina
Classification: Benign for Combined deficiency of sialidase AND beta galactosidase. Last evaluated: 2018-01-13. Review status: criteria provided, single submitter. Criteria: ICSL Variant Classification Criteria 13 December 2019. Collection method: clinical testing. Allele origin: germline.
Comment: This variant was observed in the ICSL laboratory as part of a predisposition screen in an ostensibly healthy population. It had not been previously curated by ICSL or reported in the Human Gene Mutation Database (HGMD: prior to June 1st, 2018), and was therefore a candidate for classification through an automated scoring system. Utilizing variant allele frequency, disease prevalence and penetrance estimates, and inheritance mode, an automated score was calculated to assess if this variant is too frequent to cause the disease. Based on the score and internal cut-off values, a variant classified as benign is not then subjected to further curation. The score for this variant resulted in a classification of benign for this disease.

Breakthrough Genomics
Classification: Benign. Review status: criteria provided, single submitter. Criteria: ACMG Guidelines, 2015. Collection method: not provided. Allele origin: germline. Inheritance: Autosomal recessive inheritance. Affected: yes.

Mayo Clinic Laboratories, Mayo Clinic
Classification: Benign. Last evaluated: 2015-12-16. Review status: no assertion criteria provided. Collection method: clinical testing. Allele origin: unknown. Not counted in ClinVar's aggregate classification.